The following is an entry in ClinVar:

NM_024580.6(EFL1):c.3289C>T (p.Arg1097Trp)

Gene: EFL1 (elongation factor like GTPase 1; minus strand). Cytogenetic location: 15q25.2.
Variant type: single nucleotide variant.
Coding change: c.3289C>T on transcript NM_024580.6 (MANE Select); coding-DNA position 3289, C replaced by T.
Protein change: p.Arg1097Trp; replaces arginine 1097 with tryptophan.
Molecular consequence: missense variant. On other transcripts: non-coding transcript variant (1).
Genome position (GRCh38, 1-based): chr15:82,130,447, G>A on the plus strand (C>T on the coding strand, the complement: EFL1 is on the minus strand). VCF-style: chr15-82130447-G-A. GRCh37 (hg19) VCF-style: chr15-82422788-G-A.
Other names: NR_136410.2:n.3443C>T; c.3136C>T, p.Arg1046Trp (NM_001040610.3); c.2500C>T, p.Arg834Trp (NM_001322844.2); c.3289C>T, p.Arg1097Trp (NM_001322845.2); short protein forms R1046W, R1097W, R834W.
Identifiers: ClinVar variation 3776991 (VCV003776991.2).

ClinVar aggregate classification (germline): Uncertain significance. Review status: criteria provided, multiple submitters, no conflicts (2 of 4 stars). 2 submissions from 2 submitters: Uncertain significance (2). Last evaluated 2025-01-10.

Conditions:
Shwachman syndrome. Also called: PANCREATIC INSUFFICIENCY AND BONE MARROW DYSFUNCTION; SHWACHMAN-BODIAN SYNDROME; Shwachman-Diamond Syndrome. Identifiers: Orphanet 811, MedGen C0272170, MONDO:0009833.

gnomAD v4.1: 10 of 1,613,972 alleles (0.00062%); highest among the groups gnomAD compares: Non-Finnish European, 0.00076%; no homozygotes.

Submissions (2):

Broad Center for Mendelian Genomics, Broad Institute of MIT and Harvard
Classification: Uncertain significance for Shwachman syndrome. Last evaluated: 2025-01-10. Review status: criteria provided, single submitter. Criteria: ACMG Guidelines, 2015. Collection method: curation. Allele origin: germline. Inheritance: Autosomal recessive inheritance.
Comment: The p.Arg1097Trp variant in EFL1 has not been previously reported in individuals with Shwachman-Diamond syndrome, but has been identified in 0.0007% (9/1180030) of European (non-Finnish) chromosomes by the Genome Aggregation Database (gnomAD; dbSNP ID: rs995543590). Although this variant has been seen in the general population in a heterozygous state, its frequency is low enough to be consistent with a recessive carrier frequency. Computational prediction tools and conservation analyses suggest that this variant may impact the protein, though this information is not predictive enough to determine pathogenicity. Furthermore, although this gene has been reported in association with Shwachman-Diamond syndrome, it currently has moderate evidence for these associations. In summary, the clinical significance of the p.Arg1097Trp variant is uncertain.

Blueprint Genetics
Classification: Uncertain significance. Last evaluated: 2024-02-02. Review status: criteria provided, single submitter. Criteria: ACMG Guidelines, 2015. Collection method: clinical testing. Allele origin: germline.